The following is an entry in ClinVar:

NM_024675.4(PALB2):c.2687C>G (p.Ser896Cys)

Gene: PALB2 (partner and localizer of BRCA2; minus strand). Cytogenetic location: 16p12.2.
Variant type: single nucleotide variant.
Coding change: c.2687C>G on transcript NM_024675.4 (MANE Select); coding-DNA position 2687, C replaced by G.
Protein change: p.Ser896Cys; replaces serine 896 with cysteine.
Molecular consequence: missense variant.
Genome position (GRCh38, 1-based): chr16:23,626,297, G>C on the plus strand (C>G on the coding strand, the complement: PALB2 is on the minus strand). VCF-style: chr16-23626297-G-C. GRCh37 (hg19) VCF-style: chr16-23637618-G-C.
Other names: short protein forms S896C.
Identifiers: ClinVar variation 821664 (VCV000821664.7), dbSNP rs1597085085, ClinGen allele CA395121990.

ClinVar aggregate classification (germline): Uncertain significance. Review status: criteria provided, multiple submitters, no conflicts (2 of 4 stars). 2 submissions from 2 submitters: Uncertain significance (2). Last evaluated 2025-07-02.

Conditions:
Hereditary cancer-predisposing syndrome. Also called: Tumor predisposition; Hereditary Cancer Syndrome; Neoplastic Syndromes, Hereditary; Hereditary neoplastic syndrome. Identifiers: Orphanet 140162, MedGen C0027672, MeSH D009386, MONDO:0015356.
Familial cancer of breast. Also called: BREAST CANCER, FAMILIAL; Hereditary breast cancer; hereditary breast carcinoma. Identifiers: Orphanet 227535, MedGen C0346153, MONDO:0016419, OMIM 114480. Disease mechanism: loss of function.

Submissions (2):

Labcorp Genetics (formerly Invitae), Labcorp
Classification: Uncertain significance for Familial cancer of breast. Last evaluated: 2025-07-02. Review status: criteria provided, single submitter. Criteria: Invitae Variant Classification Sherloc (09022015). Collection method: clinical testing. Allele origin: germline.
Comment: This sequence change replaces serine, which is neutral and polar, with cysteine, which is neutral and slightly polar, at codon 896 of the PALB2 protein (p.Ser896Cys). This variant is not present in population databases (gnomAD no frequency). This variant has not been reported in the literature in individuals affected with PALB2-related conditions. ClinVar contains an entry for this variant (Variation ID: 821664). Invitae Evidence Modeling of protein sequence and biophysical properties (such as structural, functional, and spatial information, amino acid conservation, physicochemical variation, residue mobility, and thermodynamic stability) indicates that this missense variant is not expected to disrupt PALB2 protein function with a negative predictive value of 80%. In summary, the available evidence is currently insufficient to determine the role of this variant in disease. Therefore, it has been classified as a Variant of Uncertain Significance.

Ambry Genetics
Classification: Uncertain significance for Hereditary cancer-predisposing syndrome. Last evaluated: 2019-03-28. Review status: criteria provided, single submitter. Criteria: Ambry Variant Classification Scheme 2023. Collection method: clinical testing. Allele origin: germline.
Comment: The p.S896C variant (also known as c.2687C>G), located in coding exon 7 of the PALB2 gene, results from a C to G substitution at nucleotide position 2687. The serine at codon 896 is replaced by cysteine, an amino acid with dissimilar properties. This amino acid position is well conserved in available vertebrate species. In addition, this alteration is predicted to be tolerated by in silico analysis. Since supporting evidence is limited at this time, the clinical significance of this alteration remains unclear.